The following is an entry in ClinVar:

ClinVar aggregate classification (germline): Pathogenic. Review status: criteria provided, multiple submitters, no conflicts (2 of 4 stars). 2 submissions from 2 submitters: Pathogenic (2). Last evaluated 2025-03-26.

Conditions:
Hereditary cancer-predisposing syndrome. Also called: Tumor predisposition; Hereditary neoplastic syndrome; Neoplastic Syndromes, Hereditary; Hereditary Cancer Syndrome. Identifiers: Orphanet 140162, MedGen C0027672, MeSH D009386, MONDO:0015356.
Familial cancer of breast. Also called: Hereditary breast cancer; BREAST CANCER, FAMILIAL; hereditary breast carcinoma. Identifiers: Orphanet 227535, MedGen C0346153, MONDO:0016419, OMIM 114480. Disease mechanism: loss of function.

Submissions (2):

Ambry Genetics
Classification: Pathogenic for Hereditary cancer-predisposing syndrome. Last evaluated: 2025-03-26. Review status: criteria provided, single submitter. Criteria: Ambry Variant Classification Scheme 2023. Collection method: clinical testing. Allele origin: germline.
Comment: The c.3214_3216delATTinsTCCAA pathogenic mutation, located in coding exon 12 of the PALB2 gene, results from the deletion of 3 nucleotides and insertion of 5 nucleotides causing a translational frameshift with a predicted alternate stop codon (p.I1072Sfs*4). This variant is considered to be rare based on population cohorts in the Genome Aggregation Database (gnomAD). This alteration is expected to result in loss of function by premature protein truncation or nonsense-mediated mRNA decay. As such, this alteration is interpreted as a disease-causing mutation.

Myriad Genetics, Inc.
Classification: Pathogenic for Familial cancer of breast. Last evaluated: 2023-09-14. Review status: criteria provided, single submitter. Criteria: Myriad Autosomal Dominant, Autosomal Recessive and X-Linked Classification Criteria (2023). Collection method: clinical testing. Allele origin: unknown.
Comment: This variant is considered pathogenic. This variant creates a frameshift predicted to result in premature protein truncation.

NM_024675.4(PALB2):c.3214_3216delinsTCCAA (p.Ile1072fs)

Gene: PALB2 (partner and localizer of BRCA2; minus strand). Cytogenetic location: 16p12.2.
Variant type: Indel.
Coding change: c.3214_3216delinsTCCAA on transcript NM_024675.4 (MANE Select); coding-DNA positions 3214 to 3216, ATT replaced by TCCAA.
Protein change: p.Ile1072fs; shifts the reading frame from isoleucine 1072.
Molecular consequence: frameshift variant. On other transcripts: intron variant (8).
Genome position (GRCh38, 1-based): chr16:23,607,998-23,608,000, AAT replaced by TTGGA on the plus strand (ATT replaced by TCCAA on the coding strand, the reverse complement: PALB2 is on the minus strand). VCF-style: chr16-23607998-AAT-TTGGA. GRCh37 (hg19) VCF-style: chr16-23619319-AAT-TTGGA.
Other names: c.2167_2169delinsTCCAA, p.Ile723fs (NM_001407307.1); c.1426_1428delinsTCCAA, p.Ile476fs (NM_001407312.1); c.748_750delinsTCCAA, p.Ile250fs (NM_001407314.1); c.2329_2331delinsTCCAA, p.Ile777fs (NM_001407305.1, NM_001407304.1, NM_001407306.1); c.3154_3156delinsTCCAA, p.Ile1052fs (NM_001407296.1); c.3142_3144delinsTCCAA, p.Ile1048fs (NM_001407297.1); c.3052_3054delinsTCCAA, p.Ile1018fs (NM_001407298.1); c.2935_2937delinsTCCAA, p.Ile979fs (NM_001407300.1); and 6 more; short protein forms I1018fs, I1048fs, I1052fs, I1072fs, I250fs, I476fs, I723fs, I777fs.
Identifiers: ClinVar variation 2674070 (VCV002674070.2), dbSNP rs2506219037, ClinGen allele CA2695197596.